The following is an entry in ClinVar:

ClinVar aggregate classification (germline): Likely benign (0 of 4 stars; one submission).

Conditions:
PROX1-related disorder. Also called: PROX1-related condition.

Allele frequency attached by ClinVar (database versions not stated): gnomAD 0.00060; TOPMed 0.00091; 1000 Genomes Project 0.00100; 1000 Genomes Project 30x 0.00125.

Submission:

PreventionGenetics, part of Exact Sciences
Classification: Likely benign for PROX1-related condition. Last evaluated: 2023-04-11. Review status: no assertion criteria provided. Collection method: clinical testing. Allele origin: germline.
Comment: This variant is classified as likely benign based on ACMG/AMP sequence variant interpretation guidelines (Richards et al. 2015 PMID: 25741868, with internal and published modifications).

NC_000001.11:g.213977484G>A

Genes: PROX1 (prospero homeobox 1; plus strand), PROX1-AS1 (PROX1 antisense RNA 1; minus strand). Cytogenetic location: 1q32.3.
Variant type: single nucleotide variant.
Genome position: GRCh38 VCF-style: chr1-213977484-G-A. GRCh37 (hg19) VCF-style: chr1-214150827-G-A.
Identifiers: ClinVar variation 3031068 (VCV003031068.2), dbSNP rs148927346, ClinGen allele CA37507972.